The following is an entry in ClinVar:

NM_000548.5(TSC2):c.5349G>A (p.Glu1783=)

Gene: TSC2 (TSC complex subunit 2; plus strand). Cytogenetic location: 16p13.3.
Variant type: single nucleotide variant.
Coding change: c.5349G>A on transcript NM_000548.5 (MANE Select); coding-DNA position 5349, G replaced by A.
Protein change: p.Glu1783=; no amino-acid change (glutamic acid 1783 retained).
Molecular consequence: synonymous variant.
Genome position (GRCh38, 1-based): chr16:2,088,535, G>A. VCF-style: chr16-2088535-G-A. GRCh37 (hg19) VCF-style: chr16-2138536-G-A.
Other names: c.5148G>A, p.Glu1716= (NM_001077183.3); c.5280G>A, p.Glu1760= (NM_001114382.3); c.5040G>A, p.Glu1680= (NM_001318827.2); c.5004G>A, p.Glu1668= (NM_001318829.2); c.4617G>A, p.Glu1539= (NM_001318831.2); c.5181G>A, p.Glu1727= (NM_001318832.2); c.5151G>A, p.Glu1717= (NM_001363528.2); c.5217G>A, p.Glu1739= (NM_001370404.1); and 2 more.
Identifiers: ClinVar variation 1127389 (VCV001127389.13), dbSNP rs2151640927, ClinGen allele CA493043722.

ClinVar aggregate classification (germline): Benign/Likely benign. Review status: criteria provided, multiple submitters, no conflicts (2 of 4 stars). 3 submissions from 3 submitters: Benign (1); Likely benign (2). Last evaluated 2025-06-09.

Conditions:
Hereditary cancer-predisposing syndrome. Also called: Neoplastic Syndromes, Hereditary; Tumor predisposition; Hereditary Cancer Syndrome; Hereditary neoplastic syndrome. Identifiers: Orphanet 140162, MedGen C0027672, MeSH D009386, MONDO:0015356.
Tuberous sclerosis 2 (TSC2). Identifiers: Orphanet 805, MedGen C1860707, MONDO:0013199, OMIM 613254.

Submissions (3):

Myriad Genetics, Inc.
Classification: Benign for Tuberous sclerosis 2. Last evaluated: 2025-06-09. Review status: criteria provided, single submitter. Criteria: Myriad Autosomal Dominant, Autosomal Recessive and X-Linked Classification Criteria (2023). Collection method: clinical testing. Allele origin: unknown.
Comment: This variant is considered benign. This variant is a silent/synonymous amino acid change and it is not expected to impact splicing.

Ambry Genetics
Classification: Likely benign for Hereditary cancer-predisposing syndrome. Last evaluated: 2022-08-30. Review status: criteria provided, single submitter. Criteria: Ambry Variant Classification Scheme 2023. Collection method: clinical testing. Allele origin: germline.

Labcorp Genetics (formerly Invitae), Labcorp
Classification: Likely benign for Tuberous sclerosis 2. Last evaluated: 2022-04-18. Review status: criteria provided, single submitter. Criteria: Invitae Variant Classification Sherloc (09022015). Collection method: clinical testing. Allele origin: germline.